The following is an entry in ClinVar:

ClinVar aggregate classification (germline): Benign. Review status: criteria provided, multiple submitters, no conflicts (2 of 4 stars). 3 submissions from 3 submitters: Benign (2). 1 of the submissions does not count toward it. Last evaluated 2019-12-31.

Conditions:
ZNF804A-related disorder. Also called: ZNF804A-related condition.

Allele frequency attached by ClinVar (database versions not stated): 1000 Genomes Project 0.00040; 1000 Genomes Project 30x 0.00047; ExAC 0.00171; gnomAD exomes 0.00189 and 0.00293; ESP Exome Variant Server 0.00200; gnomAD 0.00219 and 0.00228; TOPMed 0.00240.
gnomAD v4.1: 4,588 of 1,613,130 alleles (0.28%); highest among the groups gnomAD compares: Non-Finnish European, 0.35%; 15 homozygotes.

Submissions (3):

Labcorp Genetics (formerly Invitae), Labcorp
Classification: Benign. Last evaluated: 2019-12-31. Review status: criteria provided, single submitter. Criteria: Invitae Variant Classification Sherloc (09022015). Collection method: clinical testing. Allele origin: germline.

Breakthrough Genomics
Classification: Benign. Review status: criteria provided, single submitter. Criteria: ACMG Guidelines, 2015. Collection method: not provided. Allele origin: germline. Inheritance: Unknown mechanism. Affected: yes.

PreventionGenetics, part of Exact Sciences
Classification: Likely benign for ZNF804A-related condition. Last evaluated: 2021-01-04. Review status: no assertion criteria provided. Collection method: clinical testing. Allele origin: germline. Not counted in ClinVar's aggregate classification.
Comment: This variant is classified as likely benign based on ACMG/AMP sequence variant interpretation guidelines (Richards et al. 2015 PMID: 25741868, with internal and published modifications).

NM_194250.2(ZNF804A):c.3357A>G (p.Ala1119=)

Gene: ZNF804A (zinc finger protein 804A; plus strand). Cytogenetic location: 2q32.1.
Variant type: single nucleotide variant.
Coding change: c.3357A>G on transcript NM_194250.2 (MANE Select); coding-DNA position 3357, A replaced by G.
Protein change: p.Ala1119=; no amino-acid change (alanine 1119 retained).
Molecular consequence: synonymous variant.
Genome position (GRCh38, 1-based): chr2:184,938,753, A>G. VCF-style: chr2-184938753-A-G. GRCh37 (hg19) VCF-style: chr2-185803480-A-G.
Identifiers: ClinVar variation 728590 (VCV000728590.7), dbSNP rs138277674, ClinGen allele CA2016339.